The following is an entry in ClinVar:

ClinVar aggregate classification (germline): Pathogenic/Likely pathogenic. Review status: criteria provided, multiple submitters, no conflicts (2 of 4 stars). 7 submissions from 7 submitters: Pathogenic (2); Likely pathogenic (2). 3 of the submissions do not count toward it. Last evaluated 2026-02-10.

Conditions:
Hereditary factor VIII deficiency disease (HEMA). Also called: AUTOSOMAL HEMOPHILIA A; HEMOPHILIA, CLASSIC; Hemophilia A; Hemophilia A, congenital; HEM A; Factor 8 deficiency, congenital. Identifiers: Orphanet 98878, MedGen C0019069, MONDO:0010602, OMIM 306700.

Allele frequency attached by ClinVar (database versions not stated): gnomAD exomes below 0.00001; TOPMed 0.00003.
gnomAD v4.1: 1 of 1,206,555 alleles (0.000083%); highest among the groups gnomAD compares: Non-Finnish European, 0.00011%; no homozygotes.

Submissions (7):

GeneDx
Classification: Likely pathogenic. Last evaluated: 2026-02-10. Review status: criteria provided, single submitter. Criteria: GeneDx Variant Classification Process June 2021. Collection method: clinical testing. Allele origin: germline.
Comment: Not observed at significant frequency in large population cohorts (gnomAD); In silico analysis supports that this missense variant has a deleterious effect on protein structure/function; Also known as N618S; This variant is associated with the following publications: (PMID: 23348756, 10691849, 28750480, 29296726, 19473423, 16173970, 24134483, 11918545, 18691168)

ARUP Laboratories, Molecular Genetics and Genomics, ARUP Laboratories
Classification: Pathogenic. Last evaluated: 2025-01-15. Review status: criteria provided, single submitter. Criteria: ARUP Molecular Germline Variant Investigation Process 2024. Collection method: clinical testing. Allele origin: germline.
Comment: The F8 c.1910A>G; p.Asn637Ser variant (rs2073315379, ClinVar Variation ID: 1284913), also known as Asn618Ser in traditional nomenclature, is reported in the literature in numerous individuals affected with mild hemophilia A (See F8 database and references therein, Mauser-Bunschoten 2013, Roelse 2000). This variant is absent from the Genome Aggregation Database (v2.1.1), indicating it is not a common polymorphism. Computational analyses predict that this variant is deleterious (REVEL: 0.933). Based on available information, this variant is considered to be pathogenic. References: Link to F8 Database: Mauser-Bunschoten EP et al. Response to desmopressin in patients with mild hemophilia A caused by the F8 c.1910A>G, p.Asn637Ser mutation. J Thromb Haemost. 2013 Dec;11(12):2179-81. PMID: 24134483. Roelse JC et al. Intracellular accumulation of factor VIII induced by missense mutations Arg593-->Cys and Asn618-->Ser explains cross-reacting material-reduced haemophilia A. Br J Haematol. 2000 Feb;108(2):241-6. PMID: 10691849.

Revvity Omics, Revvity
Classification: Likely pathogenic. Last evaluated: 2022-05-26. Review status: criteria provided, single submitter. Criteria: ACMG Guidelines, 2015. Collection method: clinical testing. Allele origin: germline.

Genetics and Molecular Pathology, SA Pathology
Classification: Pathogenic for Hereditary factor VIII deficiency disease. Last evaluated: 2022-01-11. Review status: criteria provided, single submitter. Criteria: ACMG Guidelines, 2015. Collection method: clinical testing. Allele origin: germline. Inheritance: X-linked recessive inheritance. Affected: yes.

Genome Diagnostics Laboratory, University Medical Center Utrecht
Classification: Pathogenic. Review status: no assertion criteria provided. Collection method: clinical testing. Allele origin: germline. Affected: yes. Study: VKGL Data-share Consensus. Not counted in ClinVar's aggregate classification.

ISTH-SSC Genomics in Thrombosis and Hemostasis, KU Leuven, Center for Molecular and Vascular Biology
Classification: Pathogenic for Hereditary factor VIII deficiency disease. Review status: no assertion criteria provided. Collection method: research. Allele origin: unknown. Affected: yes. Not counted in ClinVar's aggregate classification.
Comment: Submitted to GoldVariant by Dr Karyn Mégy from NIHR Bioresource - Cambridge University, UK

Joint Genome Diagnostic Labs from Nijmegen and Maastricht, Radboudumc and MUMC+
Classification: Pathogenic. Review status: no assertion criteria provided. Collection method: clinical testing. Allele origin: germline. Affected: yes. Study: VKGL Data-share Consensus. Not counted in ClinVar's aggregate classification.

NM_000132.4(F8):c.1910A>G (p.Asn637Ser)

Gene: F8 (coagulation factor VIII; minus strand). Cytogenetic location: Xq28.
Variant type: single nucleotide variant.
Coding change: c.1910A>G on transcript NM_000132.4 (MANE Select); coding-DNA position 1910, A replaced by G.
Protein change: p.Asn637Ser; replaces asparagine 637 with serine.
Molecular consequence: missense variant.
Genome position (GRCh38, 1-based): chrX:154,947,901, T>C on the plus strand (A>G on the coding strand, the complement: F8 is on the minus strand). VCF-style: chrX-154947901-T-C. GRCh37 (hg19) VCF-style: chrX-154176176-T-C.
Other names: short protein forms N637S.
Identifiers: ClinVar variation 1284913 (VCV001284913.10), dbSNP rs2073315379, ClinGen allele CA414909849.